The following is an entry in ClinVar:

NM_014043.4(CHMP2B):c.35-7C>T

Gene: CHMP2B (charged multivesicular body protein 2B; plus strand). Cytogenetic location: 3p11.2.
Variant type: single nucleotide variant.
Coding change: c.35-7C>T on transcript NM_014043.4 (MANE Select); 7 bases into the intron before coding-DNA position 35, C replaced by T.
Molecular consequence: intron variant.
Genome position (GRCh38, 1-based): chr3:87,240,692, C>T. VCF-style: chr3-87240692-C-T. GRCh37 (hg19) VCF-style: chr3-87289842-C-T.
Other names: p.?; c.4-5022C>T (NM_001244644.2).
Identifiers: ClinVar variation 704275 (VCV000704275.38), dbSNP rs200912994, ClinGen allele CA2500871.

ClinVar aggregate classification (germline): Benign/Likely benign. Review status: criteria provided, multiple submitters, no conflicts (2 of 4 stars). 5 submissions from 5 submitters: Benign (3); Likely benign (1). 1 of the submissions does not count toward it. Last evaluated 2025-11-06.

Conditions:
CHMP2B-related disorder. Also called: CHMP2B-related condition.
Frontotemporal dementia and/or amyotrophic lateral sclerosis 7 (FTDALS7). Also called: CHMP2B-related frontotemporal dementia; AMYOTROPHIC LATERAL SCLEROSIS, CHMP2B-RELATED; Amyotrophic lateral sclerosis 17; CHMP2B-Related Frontotemporal Dementia-Amyotrophic Lateral Sclerosis. Identifiers: Orphanet 275864, Orphanet 282, Orphanet 803, MedGen C1833296, MONDO:0010936, OMIM 600795.

Allele frequency attached by ClinVar (database versions not stated): 1000 Genomes Project 0.00100; gnomAD 0.00122 and 0.00133; TOPMed 0.00150; ESP Exome Variant Server 0.00161; gnomAD exomes 0.00035; ExAC 0.00049; 1000 Genomes Project 30x 0.00078.

Submissions (5):

Labcorp Genetics (formerly Invitae), Labcorp
Classification: Benign for Frontotemporal dementia and/or amyotrophic lateral sclerosis 7. Last evaluated: 2025-11-06. Review status: criteria provided, single submitter. Criteria: Invitae Variant Classification Sherloc (09022015). Collection method: clinical testing. Allele origin: germline.

Mayo Clinic Laboratories, Mayo Clinic
Classification: Likely benign. Last evaluated: 2025-08-27. Review status: criteria provided, single submitter. Criteria: ACMG Guidelines, 2015. Collection method: clinical testing. Allele origin: germline. Observed: 4 variant alleles.
Comment: BS2, BP4, BP7

Athena Diagnostics
Classification: Benign. Last evaluated: 2025-01-17. Review status: criteria provided, single submitter. Criteria: Athena Diagnostics Criteria. Collection method: clinical testing. Allele origin: unknown.
Comment: The frequency of this variant in the general population is higher than would generally be expected for pathogenic variants in this gene.

CeGaT Center for Human Genetics Tuebingen
Classification: Benign. Last evaluated: 2022-07-01. Review status: criteria provided, single submitter. Criteria: CeGaT Center For Human Genetics Tuebingen Variant Classification Criteria Version 2. Collection method: clinical testing. Allele origin: germline. Affected: yes. Observed: 1 variant allele.
Comment: CHMP2B: BS1, BS2

PreventionGenetics, part of Exact Sciences
Classification: Likely benign for CHMP2B-related condition. Last evaluated: 2023-11-30. Review status: no assertion criteria provided. Collection method: clinical testing. Allele origin: germline. Not counted in ClinVar's aggregate classification.
Comment: This variant is classified as likely benign based on ACMG/AMP sequence variant interpretation guidelines (Richards et al. 2015 PMID: 25741868, with internal and published modifications).